The following is an entry in ClinVar:

ClinVar aggregate classification (germline): Uncertain significance (1 of 4 stars; one submission).

Allele frequency attached by ClinVar (database versions not stated): ExAC 0.00001; gnomAD 0.00001; gnomAD exomes 0.00001; TOPMed 0.00001.
gnomAD v4.1: 21 of 1,613,946 alleles (0.0013%); highest among the groups gnomAD compares: Non-Finnish European, 0.0018%; no homozygotes.

Submission:

Labcorp Genetics (formerly Invitae), Labcorp
Classification: Uncertain significance. Last evaluated: 2022-06-01. Review status: criteria provided, single submitter. Criteria: Invitae Variant Classification Sherloc (09022015). Collection method: clinical testing. Allele origin: germline.
Comment: This sequence change replaces proline, which is neutral and non-polar, with alanine, which is neutral and non-polar, at codon 353 of the ELP1 protein (p.Pro353Ala). This variant is present in population databases (rs780241310, gnomAD 0.0009%). This variant has not been reported in the literature in individuals affected with ELP1-related conditions. Algorithms developed to predict the effect of missense changes on protein structure and function are either unavailable or do not agree on the potential impact of this missense change (SIFT: "Tolerated"; PolyPhen-2: "Possibly Damaging"; Align-GVGD: "Class C0"). In summary, the available evidence is currently insufficient to determine the role of this variant in disease. Therefore, it has been classified as a Variant of Uncertain Significance.

NM_003640.5(ELP1):c.1057C>G (p.Pro353Ala)

Gene: ELP1 (elongator acetyltransferase complex subunit 1; minus strand). Cytogenetic location: 9q31.3.
Variant type: single nucleotide variant.
Coding change: c.1057C>G on transcript NM_003640.5 (MANE Select); coding-DNA position 1057, C replaced by G.
Protein change: p.Pro353Ala; replaces proline 353 with alanine.
Molecular consequence: missense variant.
Genome position (GRCh38, 1-based): chr9:108,912,396, G>C on the plus strand (C>G on the coding strand, the complement: ELP1 is on the minus strand). VCF-style: chr9-108912396-G-C. GRCh37 (hg19) VCF-style: chr9-111674676-G-C.
Other names: c.715C>G, p.Pro239Ala (NM_001318360.2); c.10C>G, p.Pro4Ala (NM_001330749.2); short protein forms P353A, P4A, P239A.
Identifiers: ClinVar variation 2156357 (VCV002156357.1), dbSNP rs780241310, ClinGen allele CA5175139.